The following is an entry in ClinVar:

ClinVar aggregate classification (germline): Uncertain significance (1 of 4 stars; one submission).

Allele frequency attached by ClinVar (database versions not stated): gnomAD exomes 0.00001; TOPMed 0.00001.
gnomAD v4.1: 3 of 1,614,192 alleles (0.00019%); highest among the groups gnomAD compares: South Asian, 0.0011%; no homozygotes.

Submission:

Labcorp Genetics (formerly Invitae), Labcorp
Classification: Uncertain significance. Last evaluated: 2022-02-25. Review status: criteria provided, single submitter. Criteria: Invitae Variant Classification Sherloc (09022015). Collection method: clinical testing. Allele origin: germline.
Comment: This sequence change replaces isoleucine, which is neutral and non-polar, with valine, which is neutral and non-polar, at codon 4236 of the LRP2 protein (p.Ile4236Val). This variant is present in population databases (no rsID available, gnomAD 0.004%). This variant has not been reported in the literature in individuals affected with LRP2-related conditions. Advanced modeling of protein sequence and biophysical properties (such as structural, functional, and spatial information, amino acid conservation, physicochemical variation, residue mobility, and thermodynamic stability) performed at Invitae indicates that this missense variant is not expected to disrupt LRP2 protein function. In summary, the available evidence is currently insufficient to determine the role of this variant in disease. Therefore, it has been classified as a Variant of Uncertain Significance.

NM_004525.3(LRP2):c.12706A>G (p.Ile4236Val)

Gene: LRP2 (LDL receptor related protein 2; minus strand). Cytogenetic location: 2q31.1.
Variant type: single nucleotide variant.
Coding change: c.12706A>G on transcript NM_004525.3 (MANE Select); coding-DNA position 12706, A replaced by G.
Protein change: p.Ile4236Val; replaces isoleucine 4236 with valine.
Molecular consequence: missense variant.
Genome position (GRCh38, 1-based): chr2:169,146,844, T>C on the plus strand (A>G on the coding strand, the complement: LRP2 is on the minus strand). VCF-style: chr2-169146844-T-C. GRCh37 (hg19) VCF-style: chr2-170003354-T-C.
Other names: short protein forms I4236V.
Identifiers: ClinVar variation 2102585 (VCV002102585.4), dbSNP rs1028131862, ClinGen allele CA59892947.